The following is an entry in ClinVar:

NM_001330260.2(SCN8A):c.5528A>C (p.His1843Pro)

Gene: SCN8A (sodium voltage-gated channel alpha subunit 8; plus strand). Cytogenetic location: 12q13.13.
Variant type: single nucleotide variant.
Coding change: c.5528A>C on transcript NM_001330260.2 (MANE Select); coding-DNA position 5528, A replaced by C.
Protein change: p.His1843Pro; replaces histidine 1843 with proline.
Molecular consequence: missense variant.
Genome position (GRCh38, 1-based): chr12:51,807,014, A>C. VCF-style: chr12-51807014-A-C. GRCh37 (hg19) VCF-style: chr12-52200798-A-C.
Other names: c.5405A>C, p.His1802Pro (NM_001177984.3, NM_001369788.1); c.5528A>C, p.His1843Pro (NM_014191.4); short protein forms H1843P, H1802P.
Identifiers: ClinVar variation 2849964 (VCV002849964.3), dbSNP rs2540335404, ClinGen allele CA384887206.

ClinVar aggregate classification (germline): Uncertain significance (1 of 4 stars; one submission).

Conditions:
Early-infantile DEE. Also called: Ohtahara syndrome; Early infantile epileptic encephalopathy with suppression bursts; Early infantile epileptic encephalopathy. Identifiers: Orphanet 1934, MedGen C0393706, MONDO:0800491.

Submission:

Labcorp Genetics (formerly Invitae), Labcorp
Classification: Uncertain significance for Early-infantile DEE. Last evaluated: 2023-07-11. Review status: criteria provided, single submitter. Criteria: Invitae Variant Classification Sherloc (09022015). Collection method: clinical testing. Allele origin: germline.
Comment: Advanced modeling of protein sequence and biophysical properties (such as structural, functional, and spatial information, amino acid conservation, physicochemical variation, residue mobility, and thermodynamic stability) performed at Invitae indicates that this missense variant is expected to disrupt SCN8A protein function. In summary, the available evidence is currently insufficient to determine the role of this variant in disease. Therefore, it has been classified as a Variant of Uncertain Significance. This variant has not been reported in the literature in individuals affected with SCN8A-related conditions. This variant is not present in population databases (gnomAD no frequency). This sequence change replaces histidine, which is basic and polar, with proline, which is neutral and non-polar, at codon 1843 of the SCN8A protein (p.His1843Pro).